The following is an entry in ClinVar:

NM_002474.3(MYH11):c.2067G>C (p.Lys689Asn)

Gene: MYH11 (myosin heavy chain 11; minus strand). Cytogenetic location: 16p13.11.
Variant type: single nucleotide variant.
Coding change: c.2067G>C on transcript NM_002474.3 (MANE Select); coding-DNA position 2067, G replaced by C.
Protein change: p.Lys689Asn; replaces lysine 689 with asparagine.
Molecular consequence: missense variant.
Genome position (GRCh38, 1-based): chr16:15,748,160, C>G on the plus strand (G>C on the coding strand, the complement: MYH11 is on the minus strand). VCF-style: chr16-15748160-C-G. GRCh37 (hg19) VCF-style: chr16-15842017-C-G.
Other names: c.2088G>C, p.Lys696Asn (NM_001040113.2, NM_001040114.2); c.2067G>C, p.Lys689Asn (NM_022844.3); short protein forms K689N, K696N.
Identifiers: ClinVar variation 1708833 (VCV001708833.3), dbSNP rs2506275112, ClinGen allele CA394868291.
Genomic context (GRCh38, chr16:15,748,160, plus strand): 5'-GCGAATGCCTTCCAGCACCCCATTGCACCGCAGCTGCTCCAGCACCAGGAACGCATCCAG[C>G]TTGCCGGACTGCAAAGGTCAAAGAGGGCAGTGGATCCCTGGGGCCAGAAACCATGGCGCA-3'
Protein context (NP_002465.1, residues 679-699): IIPNHEKRSG[Lys689Asn]LDAFLVLEQL

ClinVar aggregate classification (germline): Uncertain significance (1 of 4 stars; one submission).

Submission:

GeneDx
Classification: Uncertain significance. Last evaluated: 2023-03-22. Review status: criteria provided, single submitter. Criteria: GeneDx Variant Classification Process June 2021. Collection method: clinical testing. Allele origin: germline. Affected: yes.
Comment: Not observed at significant frequency in large population cohorts (gnomAD); In silico analysis supports that this missense variant has a deleterious effect on protein structure/function; Has not been previously published as pathogenic or benign to our knowledge